The following is an entry in ClinVar:

NM_000404.4(GLB1):c.1283A>G (p.Asn428Ser)

Gene: GLB1 (galactosidase beta 1; minus strand). Cytogenetic location: 3p22.3.
Variant type: single nucleotide variant.
Coding change: c.1283A>G on transcript NM_000404.4 (MANE Select); coding-DNA position 1283, A replaced by G.
Protein change: p.Asn428Ser; replaces asparagine 428 with serine.
Molecular consequence: missense variant.
Genome position (GRCh38, 1-based): chr3:33,018,512, T>C on the plus strand (A>G on the coding strand, the complement: GLB1 is on the minus strand). VCF-style: chr3-33018512-T-C. GRCh37 (hg19) VCF-style: chr3-33060004-T-C.
Other names: c.1193A>G, p.Asn398Ser (NM_001079811.3); c.890A>G, p.Asn297Ser (NM_001135602.3); c.1427A>G, p.Asn476Ser (NM_001317040.2); c.1283A>G, p.Asn428Ser (NM_001393580.1); short protein forms N297S, N398S, N428S, N476S.
Identifiers: ClinVar variation 1314582 (VCV001314582.2), dbSNP rs761605000, ClinGen allele CA2299436.
Genomic context (GRCh38, chr3:33,018,512, plus strand): 5'-TCCACAGCAACATATGCTCGATCGTGGACTCCATTGAGGGGTGAAGAGAGAGGTGCTGGG[T>C]TGCTGCAATCTTGAGGAAGTGTTGTCCGGTACAGCACAAACCCATAATGCTGGTTAGAAA-3'
Protein context (NP_000395.3, residues 418-438): YRTTLPQDCS[Asn428Ser]PAPLSSPLNG

ClinVar aggregate classification (germline): Uncertain significance (1 of 4 stars; one submission).

Allele frequency attached by ClinVar (database versions not stated): gnomAD exomes below 0.00001 and 0.00001; ExAC 0.00001.
gnomAD v4.1: 3 of 1,613,942 alleles (0.00019%); highest among the groups gnomAD compares: Non-Finnish European, 0.00025%; no homozygotes.

Submission:

GeneDx
Classification: Uncertain significance. Last evaluated: 2021-04-20. Review status: criteria provided, single submitter. Criteria: GeneDx Variant Classification Process June 2021. Collection method: clinical testing. Allele origin: germline. Affected: yes.
Comment: Not observed at a significant frequency in large population cohorts (Lek et al., 2016); In silico analysis supports that this missense variant does not alter protein structure/function; Has not been previously published as pathogenic or benign to our knowledge